The following is an entry in ClinVar:

NM_001267550.2(TTN):c.54148C>T (p.Arg18050Cys)

Genes: TTN (titin; minus strand), TTN-AS1 (TTN antisense RNA 1; plus strand). Cytogenetic location: 2q31.2.
Variant type: single nucleotide variant.
Coding change: c.54148C>T on transcript NM_001267550.2 (MANE Select); coding-DNA position 54148, C replaced by T.
Protein change: p.Arg18050Cys; replaces arginine 18050 with cysteine.
Molecular consequence: missense variant. On other transcripts: non-coding transcript variant (1).
Genome position (GRCh38, 1-based): chr2:178,605,029, G>A on the plus strand (C>T on the coding strand, the complement: TTN is on the minus strand). VCF-style: chr2-178605029-G-A. GRCh37 (hg19) VCF-style: chr2-179469756-G-A.
Other names: p.R16409C:CGC>TGC; c.49225C>T, p.Arg16409Cys (NM_001256850.1); c.26953C>T, p.Arg8985Cys (NM_003319.4); c.46444C>T, p.Arg15482Cys (NM_133378.4); c.27328C>T, p.Arg9110Cys (NM_133432.3); c.27529C>T, p.Arg9177Cys (NM_133437.4); short protein forms R18050C, R15482C, R16409C, R8985C, R9110C, R9177C.
Identifiers: ClinVar variation 47083 (VCV000047083.51), dbSNP rs55734111, ClinGen allele CA139954.

ClinVar aggregate classification (germline): Conflicting classifications of pathogenicity. Review status: criteria provided, conflicting classifications (1 of 4 stars). 21 submissions from 17 submitters: Uncertain significance (5); Benign (3); Likely benign (10). 3 of the submissions do not count toward it. Last evaluated 2026-02-01.

Conditions:
Cardiovascular phenotype. Identifiers: MedGen CN230736.
Dilated cardiomyopathy 1G (CMD1G). Identifiers: Orphanet 154, MedGen C1858763, MONDO:0011400, OMIM 604145.
Autosomal recessive limb-girdle muscular dystrophy type 2J (LGMDR10). Also called: Limb-girdle muscular dystrophy, type 2J; MUSCULAR DYSTROPHY, LIMB-GIRDLE, AUTOSOMAL RECESSIVE 10. Identifiers: Orphanet 140922, MedGen C1837342, MONDO:0012127, OMIM 608807.
Cardiomyopathy (CMYO). Also called: Cardiomyopathies. Identifiers: Orphanet 167848, MedGen C0878544, MONDO:0004994, HP:0001638. Inheritance: Various modes of inheritance.
Early-onset myopathy with fatal cardiomyopathy (CMYO5). Also called: Salih Myopathy; CONGENITAL MYOPATHY 5 WITH CARDIOMYOPATHY. Identifiers: Orphanet 289377, MedGen C2673677, MONDO:0012714, OMIM 611705. Disease mechanism: loss of function.
Myopathy, myofibrillar, 9, with early respiratory failure (MFM9). Also called: Hereditary myopathy with early respiratory failure; Myopathy, distal, with early respiratory failure, autosomal dominant; EDSTROM MYOPATHY; MYOPATHY, PROXIMAL, WITH EARLY RESPIRATORY MUSCLE INVOLVEMENT. Identifiers: Orphanet 178464, Orphanet 34521, MedGen C1863599, MONDO:0011362, OMIM 603689.
Tibial muscular dystrophy (TMD). Also called: Udd Distal Myopathy – Tibial Muscular Dystrophy; Tibial muscular dystrophy, tardive; UDD MYOPATHY. Identifiers: Orphanet 609, MedGen C1838244, MONDO:0010870, OMIM 600334.
Hypertrophic cardiomyopathy. Also called: HYPERTROPHIC MYOCARDIOPATHY. Identifiers: Orphanet 217569, MedGen C0007194, MeSH D002312, MONDO:0005045, HP:0001639.

Allele frequency attached by ClinVar (database versions not stated): gnomAD 0.00017 and 0.00023; TOPMed 0.00046; gnomAD exomes 0.00059; ExAC 0.00068; 1000 Genomes Project 30x 0.00109; 1000 Genomes Project 0.00140.
gnomAD v4.1: 264 of 1,606,920 alleles (0.016%); highest among the groups gnomAD compares: East Asian, 0.45%; 1 homozygote.

Submissions (21):

Labcorp Genetics (formerly Invitae), Labcorp
Classification: Benign for Dilated cardiomyopathy 1G; Autosomal recessive limb-girdle muscular dystrophy type 2J. Last evaluated: 2026-02-01. Review status: criteria provided, single submitter. Criteria: Invitae Variant Classification Sherloc (09022015). Collection method: clinical testing. Allele origin: germline.

Women's Health and Genetics/Laboratory Corporation of America, LabCorp
Classification: Likely benign. Last evaluated: 2025-11-10. Review status: criteria provided, single submitter. Criteria: LabCorp Variant Classification Summary - May 2015. Collection method: clinical testing. Allele origin: germline.

Mayo Clinic Laboratories, Mayo Clinic
Classification: Likely benign. Last evaluated: 2025-05-28. Review status: criteria provided, single submitter. Criteria: ACMG Guidelines, 2015. Collection method: clinical testing. Allele origin: germline. Observed: 1 variant allele.
Comment: BS1

Molecular Diagnostic Laboratory for Inherited Cardiovascular Disease, Montreal Heart Institute
Classification: Likely benign. Last evaluated: 2025-04-09. Review status: criteria provided, single submitter. Criteria: ACMG Guidelines, 2015. Collection method: clinical testing. Allele origin: germline. Affected: no.

CeGaT Center for Human Genetics Tuebingen
Classification: Likely benign. Last evaluated: 2025-02-01. Review status: criteria provided, single submitter. Criteria: CeGaT Center For Human Genetics Tuebingen Variant Classification Criteria Version 2. Collection method: clinical testing. Allele origin: germline. Affected: yes. Observed: 1 variant allele.
Comment: TTN: BP1, BS1:Supporting

Blueprint Genetics
Classification: Likely benign. Last evaluated: 2024-10-30. Review status: criteria provided, single submitter. Criteria: ACMG Guidelines, 2015. Collection method: clinical testing. Allele origin: germline.

ARUP Laboratories, Molecular Genetics and Genomics, ARUP Laboratories
Classification: Likely benign. Last evaluated: 2024-02-16. Review status: criteria provided, single submitter. Criteria: ARUP Molecular Germline Variant Investigation Process 2024. Collection method: clinical testing. Allele origin: germline.

GeneDx
Classification: Likely benign. Last evaluated: 2021-07-21. Review status: criteria provided, single submitter. Criteria: GeneDx Variant Classification Process June 2021. Collection method: clinical testing. Allele origin: germline. Affected: yes.
Comment: This variant is associated with the following publications: (PMID: 31470098, 28878402, 17344846, 23396983)

CHEO Genetics Diagnostic Laboratory, Children's Hospital of Eastern Ontario
Classification: Benign for Cardiomyopathy. Last evaluated: 2018-04-16. Review status: criteria provided, single submitter. Criteria: ACMG Guidelines, 2015. Collection method: clinical testing. Allele origin: germline.

Laboratory for Molecular Medicine, Mass General Brigham Personalized Medicine
Classification: Likely benign. Last evaluated: 2017-07-19. Review status: criteria provided, single submitter. Criteria: LMM Criteria. Collection method: clinical testing. Allele origin: germline. Observed: 5 variant alleles.
Comment: p.Arg15482Cys in exon 229 of TTN: This variant is not expected to have clinical significance because it has been identified in 0.75% (140/18662) of East Asian c hromosomes by the Genome Aggregation Database (gnomAD; dbSNP rs55734111).

Illumina Laboratory Services, Illumina
Classification: Uncertain significance for Autosomal recessive limb-girdle muscular dystrophy type 2J. Last evaluated: 2017-04-27. Review status: criteria provided, single submitter. Criteria: ICSL Variant Classification Criteria 13 December 2019. Collection method: clinical testing. Allele origin: germline.

Illumina Laboratory Services, Illumina
Classification: Uncertain significance for Tibial muscular dystrophy. Last evaluated: 2017-04-27. Review status: criteria provided, single submitter. Criteria: ICSL Variant Classification Criteria 13 December 2019. Collection method: clinical testing. Allele origin: germline.

Illumina Laboratory Services, Illumina
Classification: Uncertain significance for Early-onset myopathy with fatal cardiomyopathy. Last evaluated: 2017-04-27. Review status: criteria provided, single submitter. Criteria: ICSL Variant Classification Criteria 13 December 2019. Collection method: clinical testing. Allele origin: germline.

Illumina Laboratory Services, Illumina
Classification: Uncertain significance for Myopathy, myofibrillar, 9, with early respiratory failure. Last evaluated: 2017-04-27. Review status: criteria provided, single submitter. Criteria: ICSL Variant Classification Criteria 13 December 2019. Collection method: clinical testing. Allele origin: germline.

Illumina Laboratory Services, Illumina
Classification: Uncertain significance for Dilated cardiomyopathy 1G. Last evaluated: 2017-04-27. Review status: criteria provided, single submitter. Criteria: ICSL Variant Classification Criteria 13 December 2019. Collection method: clinical testing. Allele origin: germline.

Eurofins Ntd Llc (ga)
Classification: Likely benign. Last evaluated: 2016-10-02. Review status: criteria provided, single submitter. Criteria: EGL Classification Definitions 2015. Collection method: clinical testing. Allele origin: germline. Observed: 6 variant alleles, 4 heterozygotes, 1 homozygote.

Ambry Genetics
Classification: Benign for Cardiovascular phenotype. Last evaluated: 2015-09-04. Review status: criteria provided, single submitter. Criteria: Ambry Variant Classification Scheme 2023. Collection method: clinical testing. Allele origin: germline.

Genetics and Genomics Program, Sidra Medicine
Classification: Likely benign for Hypertrophic cardiomyopathy. Review status: criteria provided, single submitter. Criteria: ACMG Guidelines, 2015. Collection method: research. Allele origin: unknown. Affected: yes. Observed: 1 variant allele.

Clinical Genetics DNA and cytogenetics Diagnostics Lab, Erasmus MC, Erasmus Medical Center
Classification: Likely benign. Review status: no assertion criteria provided. Collection method: clinical testing. Allele origin: germline. Affected: yes. Study: VKGL Data-share Consensus. Not counted in ClinVar's aggregate classification.

Clinical Genetics, Academic Medical Center
Classification: Benign. Review status: no assertion criteria provided. Collection method: clinical testing. Allele origin: germline. Affected: yes. Study: VKGL Data-share Consensus. Not counted in ClinVar's aggregate classification.

Genome Diagnostics Laboratory, University Medical Center Utrecht
Classification: Likely benign. Review status: no assertion criteria provided. Collection method: clinical testing. Allele origin: germline. Affected: yes. Study: VKGL Data-share Consensus. Not counted in ClinVar's aggregate classification.

Literature cited by the submitters: PubMed 28878402 (cited by Mayo Clinic Laboratories, Mayo Clinic).